The following is an entry in ClinVar:

ClinVar aggregate classification (germline): Uncertain significance (1 of 4 stars; one submission).

Conditions:
Primary ciliary dyskinesia. Also called: Ciliary dyskinesia. Identifiers: Orphanet 244, MedGen C0008780, MONDO:0016575, HP:0012265.

Submission:

Ambry Genetics
Classification: Uncertain significance for Primary ciliary dyskinesia. Last evaluated: 2024-01-22. Review status: criteria provided, single submitter. Criteria: Ambry Variant Classification Scheme 2023. Collection method: clinical testing. Allele origin: germline.
Comment: The p.A276E variant (also known as c.827C>A), located in coding exon 4 of the DNAH11 gene, results from a C to A substitution at nucleotide position 827. The alanine at codon 276 is replaced by glutamic acid, an amino acid with dissimilar properties. This amino acid position is conserved. In addition, this alteration is predicted to be tolerated by in silico analysis. Based on the available evidence, the clinical significance of this alteration remains unclear.

NM_001277115.2(DNAH11):c.827C>A (p.Ala276Glu)

Gene: DNAH11 (dynein axonemal heavy chain 11; plus strand). Cytogenetic location: 7p15.3.
Variant type: single nucleotide variant.
Coding change: c.827C>A on transcript NM_001277115.2 (MANE Select); coding-DNA position 827, C replaced by A.
Protein change: p.Ala276Glu; replaces alanine 276 with glutamic acid.
Molecular consequence: missense variant.
Genome position (GRCh38, 1-based): chr7:21,559,737, C>A. VCF-style: chr7-21559737-C-A. GRCh37 (hg19) VCF-style: chr7-21599355-C-A.
Other names: c.827C>A, p.Ala276Glu (NM_003777.3); short protein forms A276E.
Identifiers: ClinVar variation 3221495 (VCV003221495.1), dbSNP rs2534464590, ClinGen allele CA366932973.